The following is an entry in ClinVar:

ClinVar aggregate classification (germline): Uncertain significance (1 of 4 stars; one submission).

Conditions:
MELAS syndrome (MELAS). Also called: Juvenile myopathy, encephalopathy, lactic acidosis, stroke. Identifiers: Orphanet 550, MedGen C0162671, MONDO:0010789, OMIM 540000.

Submission:

Wong Mito Lab, Molecular and Human Genetics, Baylor College of Medicine
Classification: Uncertain significance for MELAS syndrome. Last evaluated: 2019-07-12. Review status: criteria provided, single submitter. Criteria: Modified ACMG Guidelines (Unpublished). Collection method: clinical testing. Allele origin: germline.
Comment: The NC_012920.1:m.12184A>G variant in MT-TH gene is interpreted to be a Unknown Significance variant based on the modified ACMG guidelines (unpublished). This variant meets the following evidence codes reported in the guidelines: BP4

Literature cited by the submitters: PubMed 31965079.

NC_012920.1(MT-TH):m.12184A>G

Gene: MT-TH (mitochondrially encoded tRNA histidine; plus strand).
Variant type: single nucleotide variant.
Genome position: chrM-12184-A-G.
Identifiers: ClinVar variation 690148 (VCV000690148.1), dbSNP rs1603223603, ClinGen allele CA913169619.